The following is an entry in ClinVar:

ClinVar aggregate classification (germline): Likely benign (1 of 4 stars; one submission).

Conditions:
SLCO1B3-related disorder. Also called: SLCO1B3-related condition.

Submission:

PreventionGenetics, part of Exact Sciences
Classification: Likely benign for SLCO1B3-related condition. Last evaluated: 2026-04-09. Review status: criteria provided, single submitter. Criteria: ACMG Guidelines, 2015. Collection method: clinical testing. Allele origin: germline.
Comment: This variant is classified as likely benign based on ACMG/AMP sequence variant interpretation guidelines (Richards et al. 2015 PMID: 25741868, with internal and published modifications).

NM_019844.4(SLCO1B3):c.2067A>G (p.Lys689=)

Genes: SLCO1B3 (solute carrier organic anion transporter family member 1B3; plus strand), SLCO1B3-SLCO1B7 (SLCO1B3-SLCO1B7 readthrough; plus strand). Cytogenetic location: 12p12.2.
Variant type: single nucleotide variant.
Coding change: c.2067A>G on transcript NM_019844.4 (MANE Select); coding-DNA position 2067, A replaced by G.
Protein change: p.Lys689=; no amino-acid change (lysine 689 retained).
Molecular consequence: synonymous variant. On other transcripts: intron variant (1).
Genome position (GRCh38, 1-based): chr12:20,916,205, A>G. VCF-style: chr12-20916205-A-G. GRCh37 (hg19) VCF-style: chr12-21069139-A-G.
Other names: c.1983A>G, p.Lys661= (NM_001349920.2); c.1865+14738A>G (NM_001371097.1).
Identifiers: ClinVar variation 4984268 (VCV004984268.1).